The following is an entry in ClinVar:

NM_001267550.2(TTN):c.28011C>T (p.Asp9337=)

Gene: TTN (titin; minus strand). Cytogenetic location: 2q31.2.
Variant type: single nucleotide variant.
Coding change: c.28011C>T on transcript NM_001267550.2 (MANE Select); coding-DNA position 28011, C replaced by T.
Protein change: p.Asp9337=; no amino-acid change (aspartic acid 9337 retained).
Molecular consequence: synonymous variant. On other transcripts: intron variant (3).
Genome position (GRCh38, 1-based): chr2:178,711,225, G>A on the plus strand (C>T on the coding strand, the complement: TTN is on the minus strand). VCF-style: chr2-178711225-G-A. GRCh37 (hg19) VCF-style: chr2-179575952-G-A.
Other names: c.27060C>T, p.Asp9020= (NM_001256850.1); c.24279C>T, p.Asp8093= (NM_133378.4); c.13282+26857C>T (NM_003319.4); c.13858+26857C>T (NM_133437.4); c.13657+26857C>T (NM_133432.3).
Identifiers: ClinVar variation 698730 (VCV000698730.19), dbSNP rs757848062, ClinGen allele CA1999675.
Genomic context (GRCh38, chr2:178,711,225, plus strand): 5'-TGTGGCTGTATTGTCTAAAAATGATGTTTGTACATTTGGGCTGTCTTTCAATGGCTTGCC[G>A]TCTTTATACCAAGACACGGAGATAGGTTCTGATCCACTTATGGCACAATCAAAAACAACT-3'
Protein context (NP_001254479.2, residues 9327-9347): SEPISVSWYK[Asp9337=]GKPLKDSPNV

ClinVar aggregate classification (germline): Conflicting classifications of pathogenicity. Review status: criteria provided, conflicting classifications (1 of 4 stars). 9 submissions from 5 submitters: Uncertain significance (3); Benign (3); Likely benign (3). Last evaluated 2026-02-02.

Conditions:
Early-onset myopathy with fatal cardiomyopathy (CMYO5). Also called: CONGENITAL MYOPATHY 5 WITH CARDIOMYOPATHY; Salih Myopathy. Identifiers: Orphanet 289377, MedGen C2673677, MONDO:0012714, OMIM 611705. Disease mechanism: loss of function.
TTN-related disorder. Also called: TTN-related disorders; TTN-related condition; TTN-related disease.
Dilated cardiomyopathy 1G (CMD1G). Identifiers: Orphanet 154, MedGen C1858763, MONDO:0011400, OMIM 604145.
Autosomal recessive limb-girdle muscular dystrophy type 2J (LGMDR10). Also called: MUSCULAR DYSTROPHY, LIMB-GIRDLE, AUTOSOMAL RECESSIVE 10; Limb-girdle muscular dystrophy, type 2J. Identifiers: Orphanet 140922, MedGen C1837342, MONDO:0012127, OMIM 608807.
Myopathy, myofibrillar, 9, with early respiratory failure (MFM9). Also called: Myopathy, distal, with early respiratory failure, autosomal dominant; Hereditary myopathy with early respiratory failure; EDSTROM MYOPATHY; MYOPATHY, PROXIMAL, WITH EARLY RESPIRATORY MUSCLE INVOLVEMENT. Identifiers: Orphanet 178464, Orphanet 34521, MedGen C1863599, MONDO:0011362, OMIM 603689.
Tibial muscular dystrophy (TMD). Also called: Tibial muscular dystrophy, tardive; Udd Distal Myopathy – Tibial Muscular Dystrophy; UDD MYOPATHY. Identifiers: Orphanet 609, MedGen C1838244, MONDO:0010870, OMIM 600334.

Allele frequency attached by ClinVar (database versions not stated): gnomAD 0.00001 and 0.00003; TOPMed 0.00002; ExAC 0.00012.
gnomAD v4.1: 102 of 1,613,670 alleles (0.0063%); highest among the groups gnomAD compares: South Asian, 0.079%; 1 homozygote.

Submissions (9):

PreventionGenetics, part of Exact Sciences
Classification: Likely benign for TTN-related condition. Last evaluated: 2026-02-02. Review status: criteria provided, single submitter. Criteria: ACMG Guidelines, 2015. Collection method: clinical testing. Allele origin: germline.
Comment: This variant is classified as likely benign based on ACMG/AMP sequence variant interpretation guidelines (Richards et al. 2015 PMID: 25741868, with internal and published modifications).

Labcorp Genetics (formerly Invitae), Labcorp
Classification: Benign for Dilated cardiomyopathy 1G; Autosomal recessive limb-girdle muscular dystrophy type 2J. Last evaluated: 2026-02-01. Review status: criteria provided, single submitter. Criteria: Invitae Variant Classification Sherloc (09022015). Collection method: clinical testing. Allele origin: germline.

Blueprint Genetics
Classification: Likely benign. Last evaluated: 2024-10-18. Review status: criteria provided, single submitter. Criteria: ACMG Guidelines, 2015. Collection method: clinical testing. Allele origin: germline.

GeneDx
Classification: Likely benign. Last evaluated: 2019-02-18. Review status: criteria provided, single submitter. Criteria: GeneDx Variant Classification Process June 2021. Collection method: clinical testing. Allele origin: germline. Affected: yes.

Illumina Laboratory Services, Illumina
Classification: Benign for Myopathy, myofibrillar, 9, with early respiratory failure. Last evaluated: 2018-01-12. Review status: criteria provided, single submitter. Criteria: ICSL Variant Classification Criteria 13 December 2019. Collection method: clinical testing. Allele origin: germline.
Comment: This variant was observed in the ICSL laboratory as part of a predisposition screen in an ostensibly healthy population. It had not been previously curated by ICSL or reported in the Human Gene Mutation Database (HGMD: prior to June 1st, 2018), and was therefore a candidate for classification through an automated scoring system. Utilizing variant allele frequency, disease prevalence and penetrance estimates, and inheritance mode, an automated score was calculated to assess if this variant is too frequent to cause the disease. Based on the score and internal cut-off values, a variant classified as benign is not then subjected to further curation. The score for this variant resulted in a classification of benign for this disease.

Illumina Laboratory Services, Illumina
Classification: Uncertain significance for Dilated cardiomyopathy 1G. Last evaluated: 2018-01-12. Review status: criteria provided, single submitter. Criteria: ICSL Variant Classification Criteria 13 December 2019. Collection method: clinical testing. Allele origin: germline.

Illumina Laboratory Services, Illumina
Classification: Uncertain significance for Autosomal recessive limb-girdle muscular dystrophy type 2J. Last evaluated: 2018-01-12. Review status: criteria provided, single submitter. Criteria: ICSL Variant Classification Criteria 13 December 2019. Collection method: clinical testing. Allele origin: germline.

Illumina Laboratory Services, Illumina
Classification: Uncertain significance for Early-onset myopathy with fatal cardiomyopathy. Last evaluated: 2018-01-12. Review status: criteria provided, single submitter. Criteria: ICSL Variant Classification Criteria 13 December 2019. Collection method: clinical testing. Allele origin: germline.

Illumina Laboratory Services, Illumina
Classification: Benign for Tibial muscular dystrophy. Last evaluated: 2018-01-12. Review status: criteria provided, single submitter. Criteria: ICSL Variant Classification Criteria 13 December 2019. Collection method: clinical testing. Allele origin: germline.
Comment: the same text as in the submission from Illumina Laboratory Services, Illumina above.